The following is an entry in ClinVar:

NM_145239.3(PRRT2):c.304_392dup (p.Pro131_Pro132insLysThrHisAlaLysLysGlnCysProAsnGlnLysTer)

Genes: MVP-DT (MVP divergent transcript; minus strand), PRRT2 (proline rich transmembrane protein 2; plus strand). Cytogenetic location: 16p11.2.
Variant type: Duplication.
Coding change: c.304_392dup on transcript NM_145239.3 (MANE Select); coding-DNA positions 304 to 392, 89 bases duplicated.
Protein change: p.Pro131_Pro132insLysThrHisAlaLysLysGlnCysProAsnGlnLysTer.
Molecular consequence: nonsense, inframe insertion.
Genome position (GRCh38, 1-based): chr16:29,813,358-29,813,446, 89 bases duplicated. GRCh37 (hg19): chr16:29,824,679-29,824,767.
Other names: c.304_392dup, p.Pro131_Pro132insLysThrHisAlaLysLysGlnCysProAsnGlnLysTer (NM_001256442.2, NM_001256443.2, NM_001438120.1 and 2 more transcripts).
Identifiers: ClinVar variation 4731264 (VCV004731264.2).

ClinVar aggregate classification (germline): Pathogenic/Likely pathogenic. Review status: criteria provided, multiple submitters, no conflicts (2 of 4 stars). 2 submissions from 2 submitters: Pathogenic (1); Likely pathogenic (1). Last evaluated 2025-11-15.

Conditions:
PRRT2-Related Disorder. Also called: PRRT2-related disorders. Identifiers: MedGen CN381059.
Episodic kinesigenic dyskinesia (EKD). Also called: Paroxysmal kinesigenic dyskinesia. Identifiers: Orphanet 98809, MedGen C1868682, MONDO:0044202.

Submissions (2):

Labcorp Genetics (formerly Invitae), Labcorp
Classification: Pathogenic for Episodic kinesigenic dyskinesia. Last evaluated: 2025-11-15. Review status: criteria provided, single submitter. Criteria: Invitae Variant Classification Sherloc (09022015). Collection method: clinical testing. Allele origin: germline.
Comment: This sequence change creates a premature translational stop signal (p.Pro132Lysfs*13) in the PRRT2 gene. It is expected to result in an absent or disrupted protein product. Loss-of-function variants in PRRT2 are known to be pathogenic (PMID: 22623405, 22744660). This variant is not present in population databases (gnomAD no frequency). This variant has not been reported in the literature in individuals affected with PRRT2-related conditions. For these reasons, this variant has been classified as Pathogenic.

Blueprint Genetics
Classification: Likely pathogenic for PRRT2-related disorders. Last evaluated: 2020-05-01. Review status: criteria provided, single submitter. Criteria: ACMG Guidelines, 2015. Collection method: clinical testing. Allele origin: germline. Affected: yes. Observed: 1 variant allele.

Literature cited by the submitters: PubMed 22623405 (cited by Labcorp Genetics (formerly Invitae), Labcorp); PubMed 22744660 (cited by Labcorp Genetics (formerly Invitae), Labcorp).